The following is an entry in ClinVar:

ClinVar aggregate classification (germline): Likely benign. Review status: criteria provided, single submitter (1 of 4 stars). 3 submissions from 3 submitters: Likely benign (1). 2 of the submissions do not count toward it. Last evaluated 2023-10-18.

Conditions:
CEP290-related disorder. Also called: CEP290-related condition; CEP290-related disorders. Identifiers: MedGen CN239314.
Joubert syndrome. Also called: CEREBELLOPARENCHYMAL DISORDER IV; JOUBERT-BOLTSHAUSER SYNDROME; Familial aplasia of the vermis. Identifiers: Orphanet 475, MedGen C5979921, MONDO:0018772.
Meckel-Gruber syndrome. Also called: Dysencephalia splachnocystica; DYSENCEPHALIA SPLANCHNOCYSTICA; GRUBER SYNDROME. Identifiers: Orphanet 564, MedGen C0265215, MONDO:0018921.
Nephronophthisis. Also called: Juvenile Nephronophthisis. Identifiers: Orphanet 655, MedGen C0687120, MONDO:0019005, HP:0000090.
Leber congenital amaurosis (LCA). Also called: Leber's amaurosis. Identifiers: Orphanet 65, MedGen C0339527, MeSH D057130, MONDO:0018998.

Allele frequency attached by ClinVar (database versions not stated): TOPMed 0.00001.
gnomAD v4.1: 5 of 1,382,438 alleles (0.00036%); highest among the groups gnomAD compares: South Asian, 0.0062%; no homozygotes.

Submissions (3):

Labcorp Genetics (formerly Invitae), Labcorp
Classification: Likely benign for Joubert syndrome; Meckel-Gruber syndrome; Nephronophthisis. Last evaluated: 2023-10-18. Review status: criteria provided, single submitter. Criteria: Invitae Variant Classification Sherloc (09022015). Collection method: clinical testing. Allele origin: germline.

PreventionGenetics, part of Exact Sciences
Classification: Likely benign for CEP290-related condition. Last evaluated: 2023-06-01. Review status: no assertion criteria provided. Collection method: clinical testing. Allele origin: germline. Not counted in ClinVar's aggregate classification.
Comment: This variant is classified as likely benign based on ACMG/AMP sequence variant interpretation guidelines (Richards et al. 2015 PMID: 25741868, with internal and published modifications).

Natera, Inc.
Classification: Uncertain significance for Leber congenital amaurosis. Last evaluated: 2020-02-13. Review status: no assertion criteria provided. Collection method: clinical testing. Allele origin: germline. Not counted in ClinVar's aggregate classification.

NM_025114.4(CEP290):c.7209+7T>C

Gene: CEP290 (centrosomal protein 290; minus strand). Cytogenetic location: 12q21.32.
Variant type: single nucleotide variant.
Coding change: c.7209+7T>C on transcript NM_025114.4 (MANE Select); 7 bases into the intron after coding-DNA position 7209, T replaced by C.
Molecular consequence: intron variant.
Genome position (GRCh38, 1-based): chr12:88,050,347, A>G on the plus strand (T>C on the coding strand, the complement: CEP290 is on the minus strand). VCF-style: chr12-88050347-A-G. GRCh37 (hg19) VCF-style: chr12-88444124-A-G.
Identifiers: ClinVar variation 700855 (VCV000700855.12), dbSNP rs745813087, ClinGen allele CA6711329.